The following is an entry in ClinVar:

NM_032043.3(BRIP1):c.1261G>C (p.Glu421Gln)

Gene: BRIP1 (BRCA1 interacting DNA helicase 1; minus strand). Cytogenetic location: 17q23.2.
Variant type: single nucleotide variant.
Coding change: c.1261G>C on transcript NM_032043.3 (MANE Select); coding-DNA position 1261, G replaced by C.
Protein change: p.Glu421Gln; replaces glutamic acid 421 with glutamine.
Molecular consequence: missense variant.
Genome position (GRCh38, 1-based): chr17:61,799,179, C>G on the plus strand (G>C on the coding strand, the complement: BRIP1 is on the minus strand). VCF-style: chr17-61799179-C-G. GRCh37 (hg19) VCF-style: chr17-59876540-C-G.
Other names: short protein forms E421Q.
Identifiers: ClinVar variation 926812 (VCV000926812.8), dbSNP rs2077949016, ClinGen allele CA400483581.

ClinVar aggregate classification (germline): Uncertain significance. Review status: criteria provided, multiple submitters, no conflicts (2 of 4 stars). 3 submissions from 3 submitters: Uncertain significance (3). Last evaluated 2025-10-11.

Conditions:
Hereditary cancer-predisposing syndrome. Also called: Tumor predisposition; Hereditary neoplastic syndrome; Neoplastic Syndromes, Hereditary; Hereditary Cancer Syndrome. Identifiers: Orphanet 140162, MedGen C0027672, MeSH D009386, MONDO:0015356.
Fanconi anemia complementation group J. Also called: BRIP1-Related Fanconi Anemia. Identifiers: Orphanet 84, MedGen C1836860, MONDO:0012187, OMIM 609054.
Familial cancer of breast. Also called: BREAST CANCER, FAMILIAL; hereditary breast carcinoma; Hereditary breast cancer. Identifiers: Orphanet 227535, MedGen C0346153, MONDO:0016419, OMIM 114480. Disease mechanism: loss of function.

Allele frequency attached by ClinVar (database versions not stated): gnomAD exomes below 0.00001.
gnomAD v4.1: 2 of 1,613,708 alleles (0.00012%); highest among the groups gnomAD compares: Non-Finnish European, 0.000085%; no homozygotes.

Submissions (3):

Ambry Genetics
Classification: Uncertain significance for Hereditary cancer-predisposing syndrome. Last evaluated: 2025-10-11. Review status: criteria provided, single submitter. Criteria: Ambry Variant Classification Scheme 2023. Collection method: clinical testing. Allele origin: germline.
Comment: The p.E421Q variant (also known as c.1261G>C), located in coding exon 8 of the BRIP1 gene, results from a G to C substitution at nucleotide position 1261. The glutamic acid at codon 421 is replaced by glutamine, an amino acid with highly similar properties. This amino acid position is highly conserved in available vertebrate species. In addition, the in silico prediction for this alteration is inconclusive. Since supporting evidence is limited at this time, the clinical significance of this alteration remains unclear.

Labcorp Genetics (formerly Invitae), Labcorp
Classification: Uncertain significance for Familial cancer of breast; Fanconi anemia complementation group J. Last evaluated: 2024-11-11. Review status: criteria provided, single submitter. Criteria: Invitae Variant Classification Sherloc (09022015). Collection method: clinical testing. Allele origin: germline.
Comment: This sequence change replaces glutamic acid, which is acidic and polar, with glutamine, which is neutral and polar, at codon 421 of the BRIP1 protein (p.Glu421Gln). This variant is not present in population databases (gnomAD no frequency). This variant has not been reported in the literature in individuals affected with BRIP1-related conditions. ClinVar contains an entry for this variant (Variation ID: 926812). Invitae Evidence Modeling of protein sequence and biophysical properties (such as structural, functional, and spatial information, amino acid conservation, physicochemical variation, residue mobility, and thermodynamic stability) has been performed for this missense variant. However, the output from this modeling did not meet the statistical confidence thresholds required to predict the impact of this variant on BRIP1 protein function. In summary, the available evidence is currently insufficient to determine the role of this variant in disease. Therefore, it has been classified as a Variant of Uncertain Significance.

Color Diagnostics, LLC DBA Color Health
Classification: Uncertain significance for Hereditary cancer-predisposing syndrome. Last evaluated: 2020-04-13. Review status: criteria provided, single submitter. Criteria: ACMG Guidelines, 2015. Collection method: clinical testing. Allele origin: germline.
Comment: This missense variant replaces glutamic acid with glutamine at codon 421 of the BRIP1 protein. Computational prediction suggests that this variant may not impact protein structure and function (internally defined REVEL score threshold <= 0.5, PMID: 27666373). To our knowledge, functional studies have not been reported for this variant. This variant has not been reported in individuals affected with hereditary cancer in the literature. This variant has not been identified in the general population by the Genome Aggregation Database (gnomAD). The available evidence is insufficient to determine the role of this variant in disease conclusively. Therefore, this variant is classified as a Variant of Uncertain Significance.